The following is an entry in ClinVar:

NM_006420.3(ARFGEF2):c.1948G>A (p.Gly650Ser)

Gene: ARFGEF2 (ARF guanine nucleotide exchange factor 2; plus strand). Cytogenetic location: 20q13.13.
Variant type: single nucleotide variant.
Coding change: c.1948G>A on transcript NM_006420.3 (MANE Select); coding-DNA position 1948, G replaced by A.
Protein change: p.Gly650Ser; replaces glycine 650 with serine.
Molecular consequence: missense variant.
Genome position (GRCh38, 1-based): chr20:48,976,189, G>A. VCF-style: chr20-48976189-G-A. GRCh37 (hg19) VCF-style: chr20-47592726-G-A.
Other names: c.1945G>A, p.Gly649Ser (NM_001410846.1); short protein forms G649S, G650S.
Identifiers: ClinVar variation 2043588 (VCV002043588.5), dbSNP rs201921329, ClinGen allele CA9898511.

ClinVar aggregate classification (germline): Uncertain significance. Review status: criteria provided, multiple submitters, no conflicts (2 of 4 stars). 2 submissions from 2 submitters: Uncertain significance (2). Last evaluated 2023-10-13.

Conditions:
Inborn genetic diseases. Identifiers: MedGen C0950123, MeSH D030342.

Allele frequency attached by ClinVar (database versions not stated): 1000 Genomes Project 30x 0.00016; 1000 Genomes Project 0.00020; ExAC 0.00003; gnomAD 0.00003; gnomAD exomes 0.00001; TOPMed 0.00003.
gnomAD v4.1: 19 of 1,613,958 alleles (0.0012%); highest among the groups gnomAD compares: African/African-American, 0.0067%; no homozygotes.

Submissions (2):

Labcorp Genetics (formerly Invitae), Labcorp
Classification: Uncertain significance. Last evaluated: 2023-10-13. Review status: criteria provided, single submitter. Criteria: Invitae Variant Classification Sherloc (09022015). Collection method: clinical testing. Allele origin: germline.
Comment: This sequence change replaces glycine, which is neutral and non-polar, with serine, which is neutral and polar, at codon 650 of the ARFGEF2 protein (p.Gly650Ser). This variant is present in population databases (rs201921329, gnomAD 0.01%). This variant has not been reported in the literature in individuals affected with ARFGEF2-related conditions. ClinVar contains an entry for this variant (Variation ID: 2043588). An algorithm developed to predict the effect of missense changes on protein structure and function (PolyPhen-2) suggests that this variant is likely to be disruptive. In summary, the available evidence is currently insufficient to determine the role of this variant in disease. Therefore, it has been classified as a Variant of Uncertain Significance.

Ambry Genetics
Classification: Uncertain significance for Inborn genetic diseases. Last evaluated: 2021-12-20. Review status: criteria provided, single submitter. Criteria: Ambry Variant Classification Scheme 2023. Collection method: clinical testing. Allele origin: germline.